The following is an entry in ClinVar:

ClinVar aggregate classification (germline): Uncertain significance. Review status: criteria provided, multiple submitters, no conflicts (2 of 4 stars). 3 submissions from 3 submitters: Uncertain significance (3). Last evaluated 2025-05-30.

Conditions:
Malignant hyperthermia, susceptibility to, 1 (MHS1). Also called: Anesthesia related hyperthermia; Malignant hyperpyrexia; Fulminating hyperpyrexia; Pharmacogenic myopathy; RYR1-Related Malignant Hyperthermia Susceptibility; Malignant hyperthermia suceptibility 1. Identifiers: Orphanet 423, MedGen C2930980, MONDO:0007783, OMIM 145600.

Allele frequency attached by ClinVar (database versions not stated): gnomAD exomes below 0.00001; TOPMed below 0.00001; gnomAD 0.00001.

Submissions (3):

Color Diagnostics, LLC DBA Color Health
Classification: Uncertain significance for Malignant hyperthermia, susceptibility to, 1. Last evaluated: 2025-05-30. Review status: criteria provided, single submitter. Criteria: ACMG Guidelines, 2015. Collection method: clinical testing. Allele origin: germline.
Comment: This missense variant replaces serine with asparagine at codon 1489 of the RYR1 protein. Computational prediction suggests that this variant may not impact protein structure and function. To our knowledge, functional studies have not been reported for this variant. This variant has not been reported in individuals affected with RYR1-related disorders in the literature. This variant has not been identified in the general population by the Genome Aggregation Database (gnomAD). The available evidence is insufficient to determine the role of this variant in disease conclusively. Therefore, this variant is classified as a Variant of Uncertain Significance.

Revvity Omics, Revvity
Classification: Uncertain significance. Last evaluated: 2023-06-08. Review status: criteria provided, single submitter. Criteria: ACMG Guidelines, 2015. Collection method: clinical testing. Allele origin: germline.

Genetic Services Laboratory, University of Chicago
Classification: Uncertain significance. Last evaluated: 2013-03-04. Review status: criteria provided, single submitter. Criteria: ACMG Guidelines, 2007. Collection method: clinical testing. Allele origin: germline. Inheritance: Autosomal unknown.

NM_000540.3(RYR1):c.4466G>A (p.Ser1489Asn)

Gene: RYR1 (ryanodine receptor 1; plus strand). Cytogenetic location: 19q13.2.
Variant type: single nucleotide variant.
Coding change: c.4466G>A on transcript NM_000540.3 (MANE Select); coding-DNA position 4466, G replaced by A.
Protein change: p.Ser1489Asn; replaces serine 1489 with asparagine.
Molecular consequence: missense variant.
Genome position (GRCh38, 1-based): chr19:38,478,446, G>A. VCF-style: chr19-38478446-G-A. GRCh37 (hg19) VCF-style: chr19-38969086-G-A.
Other names: c.4466G>A, p.Ser1489Asn (NM_001042723.2); short protein forms S1489N.
Identifiers: ClinVar variation 159850 (VCV000159850.9), dbSNP rs34404839, ClinGen allele CA024447.